The following is an entry in ClinVar:

NM_006269.2(RP1):c.1344G>T (p.Arg448Ser)

Gene: RP1 (RP1 axonemal microtubule associated; plus strand). Cytogenetic location: 8q12.1.
Variant type: single nucleotide variant.
Coding change: c.1344G>T on transcript NM_006269.2 (MANE Select); coding-DNA position 1344, G replaced by T.
Protein change: p.Arg448Ser; replaces arginine 448 with serine.
Molecular consequence: missense variant. On other transcripts: intron variant (1).
Genome position (GRCh38, 1-based): chr8:54,625,226, G>T. VCF-style: chr8-54625226-G-T. GRCh37 (hg19) VCF-style: chr8-55537786-G-T.
Other names: c.787+2938G>T (NM_001375654.1); short protein forms R448S.
Identifiers: ClinVar variation 1466527 (VCV001466527.8), dbSNP rs2129316057, ClinGen allele CA370990039.

ClinVar aggregate classification (germline): Uncertain significance (1 of 4 stars; one submission).

Submission:

Labcorp Genetics (formerly Invitae), Labcorp
Classification: Uncertain significance. Last evaluated: 2022-11-07. Review status: criteria provided, single submitter. Criteria: Invitae Variant Classification Sherloc (09022015). Collection method: clinical testing. Allele origin: germline.
Comment: This variant has not been reported in the literature in individuals affected with RP1-related conditions. ClinVar contains an entry for this variant (Variation ID: 1466527). Algorithms developed to predict the effect of missense changes on protein structure and function (SIFT, PolyPhen-2, Align-GVGD) all suggest that this variant is likely to be disruptive. In summary, the available evidence is currently insufficient to determine the role of this variant in disease. Therefore, it has been classified as a Variant of Uncertain Significance. This sequence change replaces arginine, which is basic and polar, with serine, which is neutral and polar, at codon 448 of the RP1 protein (p.Arg448Ser). This variant is not present in population databases (gnomAD no frequency).